The following is an entry in ClinVar:

ClinVar aggregate classification (germline): Likely benign (1 of 4 stars; one submission).

Allele frequency attached by ClinVar (database versions not stated): gnomAD exomes below 0.00001; ExAC 0.00001.
gnomAD v4.1: 1 of 1,614,050 alleles (0.000062%); highest among the groups gnomAD compares: Non-Finnish European, 0.000085%; no homozygotes.

Submission:

CeGaT Center for Human Genetics Tuebingen
Classification: Likely benign. Last evaluated: 2022-10-01. Review status: criteria provided, single submitter. Criteria: CeGaT Center For Human Genetics Tuebingen Variant Classification Criteria Version 2. Collection method: clinical testing. Allele origin: germline. Affected: yes. Observed: 1 variant allele.
Comment: ABCA9: BP4, BP7

NM_080283.4(ABCA9):c.4665G>A (p.Lys1555=)

Gene: ABCA9 (ATP binding cassette subfamily A member 9; minus strand). Cytogenetic location: 17q24.2.
Variant type: single nucleotide variant.
Coding change: c.4665G>A on transcript NM_080283.4 (MANE Select); coding-DNA position 4665, G replaced by A.
Protein change: p.Lys1555=; no amino-acid change (lysine 1555 retained).
Molecular consequence: synonymous variant.
Genome position (GRCh38, 1-based): chr17:68,982,617, C>T on the plus strand (G>A on the coding strand, the complement: ABCA9 is on the minus strand). VCF-style: chr17-68982617-C-T. GRCh37 (hg19) VCF-style: chr17-66978758-C-T.
Identifiers: ClinVar variation 2648156 (VCV002648156.24), dbSNP rs776336343, ClinGen allele CA8731937.
Genomic context (GRCh38, chr17:68,982,617, plus strand): 5'-CTTACCTATCTCTAATTTGAAGAAAGCCTGTGATAAAGGTCGCACATCCTCAACAGGCAA[C>T]TTATAGACCATCAGGGAGGAGAACCTGCGAAGAGAAGACAGTGAGGCTGAACTCCAGGTG-3'
Protein context (NP_525022.2, residues 1545-1565): QERFSSLMVY[Lys1555=]LPVEDVRPLS